The following is an entry in ClinVar:

ClinVar aggregate classification (germline): Uncertain significance. Review status: criteria provided, multiple submitters, no conflicts (2 of 4 stars). 3 submissions from 3 submitters: Uncertain significance (3). Last evaluated 2024-01-23.

Conditions:
Inborn genetic diseases. Identifiers: MedGen C0950123, MeSH D030342.
COG5-congenital disorder of glycosylation. Also called: CDG IIi; CONGENITAL DISORDER OF GLYCOSYLATION, TYPE IIi; COG5-CDG. Identifiers: Orphanet 263487, MedGen C3150876, MONDO:0013325, OMIM 613612.

Allele frequency attached by ClinVar (database versions not stated): gnomAD exomes 0.00008; ExAC 0.00012; gnomAD 0.00035 and 0.00036; 1000 Genomes Project 0.00040; TOPMed 0.00042; ESP Exome Variant Server 0.00046; 1000 Genomes Project 30x 0.00047.

Submissions (3):

Ambry Genetics
Classification: Uncertain significance for Inborn genetic diseases. Last evaluated: 2024-01-23. Review status: criteria provided, single submitter. Criteria: Ambry Variant Classification Scheme 2023. Collection method: clinical testing. Allele origin: germline.

Labcorp Genetics (formerly Invitae), Labcorp
Classification: Uncertain significance for COG5-congenital disorder of glycosylation. Last evaluated: 2022-11-01. Review status: criteria provided, single submitter. Criteria: Invitae Variant Classification Sherloc (09022015). Collection method: clinical testing. Allele origin: germline.
Comment: This sequence change replaces histidine, which is basic and polar, with tyrosine, which is neutral and polar, at codon 114 of the COG5 protein (p.His114Tyr). This variant is present in population databases (rs149488863, gnomAD 0.1%). This variant has not been reported in the literature in individuals affected with COG5-related conditions. ClinVar contains an entry for this variant (Variation ID: 449846). Algorithms developed to predict the effect of missense changes on protein structure and function (SIFT, PolyPhen-2, Align-GVGD) all suggest that this variant is likely to be tolerated. In summary, the available evidence is currently insufficient to determine the role of this variant in disease. Therefore, it has been classified as a Variant of Uncertain Significance.

GeneDx
Classification: Uncertain significance. Last evaluated: 2018-10-29. Review status: criteria provided, single submitter. Criteria: GeneDx Variant Classification (06012015). Collection method: clinical testing. Allele origin: germline. Affected: yes.
Comment: The H114Y variant in the COG5 gene has not been reported previously as a pathogenic variant, nor as a benign variant, to our knowledge. The H114Y variant is observed in 28/24034 (0.1165%) alleles from individuals of African background in large population cohorts, with no homozygotes observed (Lek et al., 2016). The H114Y variant is a non-conservative amino acid substitution, which is likely to impact secondary protein structure as these residues differ in polarity, charge, size and/or other properties. In-silico analyses, including protein predictors and evolutionary conservation, support a deleterious effect. We interpret H114Y as a variant of uncertain significance.

NM_006348.5(COG5):c.247C>T (p.His83Tyr)

Gene: COG5 (component of oligomeric golgi complex 5; minus strand). Cytogenetic location: 7q22.3.
Variant type: single nucleotide variant.
Coding change: c.247C>T on transcript NM_006348.5 (MANE Select); coding-DNA position 247, C replaced by T.
Protein change: p.His83Tyr; replaces histidine 83 with tyrosine.
Molecular consequence: missense variant. On other transcripts: intron variant (1).
Genome position (GRCh38, 1-based): chr7:107,554,330, G>A on the plus strand (C>T on the coding strand, the complement: COG5 is on the minus strand). VCF-style: chr7-107554330-G-A. GRCh37 (hg19) VCF-style: chr7-107194775-G-A.
Other names: c.247C>T, p.His83Tyr (NM_001161520.2, NM_001379511.1, NM_001379512.1 and 4 more transcripts); c.234+3646C>T (NM_001379516.1); short protein forms H114Y, H83Y.
Identifiers: ClinVar variation 449846 (VCV000449846.6), dbSNP rs149488863, ClinGen allele CA4431478.